The following is an entry in ClinVar:

NM_001365276.2(TNXB):c.1963G>A (p.Asp655Asn)

Gene: TNXB (tenascin XB; minus strand). Cytogenetic location: 6p21.33.
Variant type: single nucleotide variant.
Coding change: c.1963G>A on transcript NM_001365276.2 (MANE Select); coding-DNA position 1963, G replaced by A.
Protein change: p.Asp655Asn; replaces aspartic acid 655 with asparagine.
Molecular consequence: missense variant.
Genome position (GRCh38, 1-based): chr6:32,095,890, C>T on the plus strand (G>A on the coding strand, the complement: TNXB is on the minus strand). VCF-style: chr6-32095890-C-T. GRCh37 (hg19) VCF-style: chr6-32063667-C-T.
Other names: p.Asp655Asn; c.1963G>A, p.Asp655Asn (NM_019105.8); short protein forms D655N.
Identifiers: ClinVar variation 3327878 (VCV003327878.3).

ClinVar aggregate classification (germline): Uncertain significance. Review status: criteria provided, multiple submitters, no conflicts (2 of 4 stars). 2 submissions from 2 submitters: Uncertain significance (2). Last evaluated 2025-04-02.

Conditions:
Cardiovascular phenotype. Identifiers: MedGen CN230736.

gnomAD v4.1: 13 of 1,612,742 alleles (0.00081%); highest among the groups gnomAD compares: Non-Finnish European, 0.0011%; no homozygotes.

Submissions (2):

Ambry Genetics
Classification: Uncertain significance for Cardiovascular phenotype. Last evaluated: 2025-04-02. Review status: criteria provided, single submitter. Criteria: Ambry Variant Classification Scheme 2023. Collection method: clinical testing. Allele origin: germline.

Mayo Clinic Laboratories, Mayo Clinic
Classification: Uncertain significance. Last evaluated: 2024-05-10. Review status: criteria provided, single submitter. Criteria: ACMG Guidelines, 2015. Collection method: clinical testing. Allele origin: germline. Observed: 1 variant allele.
Comment: BP4, PM2